The following is an entry in ClinVar:

ClinVar aggregate classification (germline): Conflicting classifications of pathogenicity. Review status: criteria provided, conflicting classifications (1 of 4 stars). 3 submissions from 3 submitters: Likely pathogenic (1); Uncertain significance (2). Last evaluated 2025-06-24.

Conditions:
RYR1-related disorder. Also called: RYR1-related condition; RYR1-related disorders. Identifiers: MedGen CN239331.
Malignant hyperthermia, susceptibility to, 1 (MHS1). Also called: Anesthesia related hyperthermia; Malignant hyperpyrexia; Fulminating hyperpyrexia; Pharmacogenic myopathy; Malignant hyperthermia suceptibility 1; RYR1-Related Malignant Hyperthermia Susceptibility. Identifiers: Orphanet 423, MedGen C2930980, MONDO:0007783, OMIM 145600.

Submissions (3):

Color Diagnostics, LLC DBA Color Health
Classification: Uncertain significance for Malignant hyperthermia, susceptibility to, 1. Last evaluated: 2025-06-24. Review status: criteria provided, single submitter. Criteria: ACMG Guidelines, 2015. Collection method: clinical testing. Allele origin: germline.
Comment: This variant deletes four nucleotides between the -3 and 0 positions of intron 101 in the RYR1 gene. Splice site prediction tools suggest that this variant may have a significant impact on RNA splicing. Although this prediction has not been confirmed in published RNA studies, this variant is expected to result in an absent or disrupted protein product. This variant has not been reported in individuals affected with autosomal dominant malignant hyperthermia in the literature, although it is associated with other phenotype(s) (ClinVar Variation ID: 979089). This variant has been identified in 1/251008 chromosomes in the general population by the Genome Aggregation Database (gnomAD). Loss of RYR1 function due to disruption of canonical splice sites is not an established disease mechanism for autosomal dominant malignant hyperthermia. Due to insufficient evidence, this variant is classified as a Variant of Uncertain Significance for autosomal dominant malignant hyperthermia.

Labcorp Genetics (formerly Invitae), Labcorp
Classification: Likely pathogenic for RYR1-related disorder. Last evaluated: 2022-02-24. Review status: criteria provided, single submitter. Criteria: Invitae Variant Classification Sherloc (09022015). Collection method: clinical testing. Allele origin: germline.
Comment: In summary, the currently available evidence indicates that the variant is pathogenic, but additional data are needed to prove that conclusively. Therefore, this variant has been classified as Likely Pathogenic. Algorithms developed to predict the effect of sequence changes on RNA splicing suggest that this variant may disrupt the consensus splice site. ClinVar contains an entry for this variant (Variation ID: 979089). This variant has been observed in individual(s) with autosomal recessive RYR1-related conditions (PMID: 31407473). This variant is present in population databases (no rsID available, gnomAD 0.0009%). This variant results in the deletion of part of exon 102 (c.14647-3_14647del) of the RYR1 gene. It is expected to disrupt RNA splicing. Variants that disrupt the donor or acceptor splice site typically lead to a loss of protein function (PMID: 16199547), and loss-of-function variants in RYR1 are known to be pathogenic (PMID: 20583297, 20839240, 23919265, 28818389).

Human Genome Sequencing Center Clinical Lab, Baylor College of Medicine
Classification: Uncertain significance for Malignant hyperthermia suceptibility 1. Review status: criteria provided, single submitter. Criteria: ACMG Guidelines, 2015. Collection method: clinical testing. Allele origin: germline.

Literature cited by the submitters: PubMed 31407473 (cited by Labcorp Genetics (formerly Invitae), Labcorp); PubMed 16199547 (cited by Labcorp Genetics (formerly Invitae), Labcorp); PubMed 20583297 (cited by Labcorp Genetics (formerly Invitae), Labcorp); PubMed 20839240 (cited by Labcorp Genetics (formerly Invitae), Labcorp); PubMed 23919265 (cited by Labcorp Genetics (formerly Invitae), Labcorp); PubMed 28818389 (cited by Labcorp Genetics (formerly Invitae), Labcorp).

NM_000540.3(RYR1):c.14647-3_14647del

Gene: RYR1 (ryanodine receptor 1; plus strand). Cytogenetic location: 19q13.2.
Variant type: Deletion.
Coding change: c.14647-3_14647del on transcript NM_000540.3 (MANE Select); 3 bases into the intron before coding-DNA position 14647 through coding-DNA position 14647, 4 bases deleted (CAGT; older notation c.14647-3_14647delCAGT).
Molecular consequence: splice acceptor variant.
Genome position (GRCh38, 1-based): chr19:38,584,940-38,584,943, CAGT deleted; deleting any 4 consecutive bases within chr19:38,584,939-38,584,943 gives the same sequence; the c. name uses the placement nearest the transcript's 3' end. VCF-style (leftmost placement, unchanged base first): chr19-38584938-CTCAG-C. GRCh37 (hg19) VCF-style: chr19-39075578-CTCAG-C.
Other names: c.14632-3_14632del (NM_001042723.2).
Identifiers: ClinVar variation 979089 (VCV000979089.7), dbSNP rs1568611362, ClinGen allele CA633067002.